The following is an entry in ClinVar:

ClinVar aggregate classification (germline): Uncertain significance (1 of 4 stars; one submission).

Submission:

GeneDx
Classification: Uncertain significance. Last evaluated: 2024-05-10. Review status: criteria provided, single submitter. Criteria: GeneDx Variant Classification Process June 2021. Collection method: clinical testing. Allele origin: germline. Affected: yes.
Comment: Not observed at significant frequency in large population cohorts (gnomAD); In silico analysis supports a deleterious effect on splicing; Has not been previously published as pathogenic or benign to our knowledge

NM_016284.5(CNOT1):c.4575+6T>G

Gene: CNOT1 (CCR4-NOT transcription complex subunit 1; minus strand). Cytogenetic location: 16q21.
Variant type: single nucleotide variant.
Coding change: c.4575+6T>G on transcript NM_016284.5 (MANE Select); 6 bases into the intron after coding-DNA position 4575, T replaced by G.
Molecular consequence: intron variant.
Genome position (GRCh38, 1-based): chr16:58,542,422, A>C on the plus strand (T>G on the coding strand, the complement: CNOT1 is on the minus strand). VCF-style: chr16-58542422-A-C. GRCh37 (hg19) VCF-style: chr16-58576326-A-C.
Other names: c.4560+6T>G (NM_001265612.2).
Identifiers: ClinVar variation 3375515 (VCV003375515.1).